The following is an entry in ClinVar:

NM_001083962.2(TCF4):c.146-46406C>G

Gene: TCF4 (transcription factor 4; minus strand). Cytogenetic location: 18q21.2.
Variant type: single nucleotide variant.
Coding change: c.146-46406C>G on transcript NM_001083962.2 (MANE Select); 46406 bases into the intron before coding-DNA position 146, C replaced by G.
Molecular consequence: intron variant.
Genome position (GRCh38, 1-based): chr18:55,510,543, G>C on the plus strand (C>G on the coding strand, the complement: TCF4 is on the minus strand). VCF-style: chr18-55510543-G-C. GRCh37 (hg19) VCF-style: chr18-53177774-G-C.
Other names: c.452-46406C>G (NM_001243226.3); c.74-46406C>G (NM_001369584.1, NM_001369576.1, NM_001369577.1 and 15 more transcripts); c.146-46406C>G (NM_001369571.1, NM_001369567.1, NM_001243228.2 and 8 more transcripts); c.140-46406C>G (NM_001243230.2); c.19+36C>G (NM_001243231.2, NM_001348211.2).
Identifiers: ClinVar variation 674956 (VCV000674956.2), dbSNP rs9964328, ClinGen allele CA8970657.

ClinVar aggregate classification (germline): Benign. Review status: criteria provided, multiple submitters, no conflicts (2 of 4 stars). 2 submissions from 2 submitters: Benign (2). Last evaluated 2018-06-19.

Allele frequency attached by ClinVar (database versions not stated): TOPMed 0.32923; gnomAD 0.33296 and 0.33492; 1000 Genomes Project 30x 0.33916; gnomAD exomes 0.34163 and 0.35303; 1000 Genomes Project 0.34265; ExAC 0.35584.
gnomAD v4.1: 498,102 of 1,418,266 alleles (35%); highest among the groups gnomAD compares: East Asian, 47%; 88,846 homozygotes.

Submissions (2):

GeneDx
Classification: Benign. Last evaluated: 2018-06-19. Review status: criteria provided, single submitter. Criteria: GeneDx Variant Classification (06012015). Collection method: clinical testing. Allele origin: germline. Affected: yes.
Comment: This variant is considered likely benign or benign based on one or more of the following criteria: it is a conservative change, it occurs at a poorly conserved position in the protein, it is predicted to be benign by multiple in silico algorithms, and/or has population frequency not consistent with disease.

Breakthrough Genomics
Classification: Benign. Review status: criteria provided, single submitter. Criteria: ACMG Guidelines, 2015. Collection method: not provided. Allele origin: germline. Inheritance: Autosomal dominant inheritance. Affected: yes.